The following is an entry in ClinVar:

NM_001271938.2(MEGF8):c.5018A>G (p.Tyr1673Cys)

Gene: MEGF8 (multiple EGF like domains 8; plus strand). Cytogenetic location: 19q13.2.
Variant type: single nucleotide variant.
Coding change: c.5018A>G on transcript NM_001271938.2 (MANE Select); coding-DNA position 5018, A replaced by G.
Protein change: p.Tyr1673Cys; replaces tyrosine 1673 with cysteine.
Molecular consequence: missense variant.
Genome position (GRCh38, 1-based): chr19:42,358,150, A>G. VCF-style: chr19-42358150-A-G. GRCh37 (hg19) VCF-style: chr19-42862302-A-G.
Other names: c.4817A>G, p.Tyr1606Cys (NM_001410.3); short protein forms Y1606C, Y1673C.
Identifiers: ClinVar variation 1054776 (VCV001054776.9), dbSNP rs143215498, ClinGen allele CA9475445.

ClinVar aggregate classification (germline): Uncertain significance. Review status: criteria provided, multiple submitters, no conflicts (2 of 4 stars). 2 submissions from 2 submitters: Uncertain significance (2). Last evaluated 2025-12-13.

Conditions:
MEGF8-related Carpenter syndrome. Also called: Carpenter syndrome 2. Identifiers: Orphanet 65759, MedGen C3554247, MONDO:0013998, OMIM 614976.

Allele frequency attached by ClinVar (database versions not stated): gnomAD exomes 0.00025; gnomAD 0.00029 and 0.00030; TOPMed 0.00032; ESP Exome Variant Server 0.00054; ExAC 0.00063.
gnomAD v4.1: 665 of 1,584,662 alleles (0.042%); highest among the groups gnomAD compares: Non-Finnish European, 0.05%; no homozygotes.

Submissions (2):

Labcorp Genetics (formerly Invitae), Labcorp
Classification: Uncertain significance for MEGF8-related Carpenter syndrome. Last evaluated: 2025-12-13. Review status: criteria provided, single submitter. Criteria: Invitae Variant Classification Sherloc (09022015). Collection method: clinical testing. Allele origin: germline.
Comment: This sequence change replaces tyrosine, which is neutral and polar, with cysteine, which is neutral and slightly polar, at codon 1606 of the MEGF8 protein (p.Tyr1606Cys). This variant is present in population databases (rs143215498, gnomAD 0.05%). This variant has not been reported in the literature in individuals affected with MEGF8-related conditions. ClinVar contains an entry for this variant (Variation ID: 1054776). An algorithm developed to predict the effect of missense changes on protein structure and function (PolyPhen-2) suggests that this variant is likely to be disruptive. In summary, the available evidence is currently insufficient to determine the role of this variant in disease. Therefore, it has been classified as a Variant of Uncertain Significance.

GeneDx
Classification: Uncertain significance. Last evaluated: 2023-05-08. Review status: criteria provided, single submitter. Criteria: GeneDx Variant Classification Process June 2021. Collection method: clinical testing. Allele origin: germline. Affected: yes.
Comment: In silico analysis supports that this missense variant has a deleterious effect on protein structure/function; Has not been previously published as pathogenic or benign to our knowledge